The following is an entry in ClinVar:

ClinVar aggregate classification (germline): Uncertain significance (1 of 4 stars; one submission).

Submission:

Labcorp Genetics (formerly Invitae), Labcorp
Classification: Uncertain significance. Last evaluated: 2023-10-12. Review status: criteria provided, single submitter. Criteria: Invitae Variant Classification Sherloc (09022015). Collection method: clinical testing. Allele origin: germline.
Comment: This sequence change replaces glutamic acid, which is acidic and polar, with glycine, which is neutral and non-polar, at codon 340 of the PLOD3 protein (p.Glu340Gly). This variant is present in population databases (no rsID available, gnomAD 0.0009%). This variant has not been reported in the literature in individuals affected with PLOD3-related conditions. An algorithm developed to predict the effect of missense changes on protein structure and function (PolyPhen-2) suggests that this variant is likely to be tolerated. In summary, the available evidence is currently insufficient to determine the role of this variant in disease. Therefore, it has been classified as a Variant of Uncertain Significance.

NM_001084.5(PLOD3):c.1019A>G (p.Glu340Gly)

Gene: PLOD3 (procollagen-lysine,2-oxoglutarate 5-dioxygenase 3; minus strand). Cytogenetic location: 7q22.1.
Variant type: single nucleotide variant.
Coding change: c.1019A>G on transcript NM_001084.5 (MANE Select); coding-DNA position 1019, A replaced by G.
Protein change: p.Glu340Gly; replaces glutamic acid 340 with glycine.
Molecular consequence: missense variant.
Genome position (GRCh38, 1-based): chr7:101,212,361, T>C on the plus strand (A>G on the coding strand, the complement: PLOD3 is on the minus strand). VCF-style: chr7-101212361-T-C. GRCh37 (hg19) VCF-style: chr7-100855642-T-C.
Other names: short protein forms E340G.
Identifiers: ClinVar variation 2807405 (VCV002807405.3), dbSNP rs773548323, ClinGen allele CA368619046.
Genomic context (GRCh38, chr7:101,212,361, plus strand): 5'-ACGAGCTTCACAGCTGAGAAGTGGTCCTGGAGCTGCGGCCAGGAGTCAGCGATGTGGGGT[T>C]CATGGAAGACCTCCTGGGAGGGGAAGACATAGGGGGATGGGCTCAGAGGGCAGGGAGGCG-3'
Protein context (NP_001075.1, residues 330-350): LFLHNNEVFH[Glu340Gly]PHIADSWPQL